The following is an entry in ClinVar:

ClinVar aggregate classification (germline): Uncertain significance (1 of 4 stars; one submission).

Conditions:
Baller-Gerold syndrome (BGS). Also called: CRANIOSYNOSTOSIS WITH RADIAL DEFECTS. Identifiers: Orphanet 1225, MedGen C0265308, MONDO:0009039, OMIM 218600.

Allele frequency attached by ClinVar (database versions not stated): TOPMed below 0.00001; gnomAD 0.00001.
gnomAD v4.1: 1 of 1,612,960 alleles (0.000062%); highest among the groups gnomAD compares: Non-Finnish European, 0.000085%; no homozygotes.

Submission:

Labcorp Genetics (formerly Invitae), Labcorp
Classification: Uncertain significance for Baller-Gerold syndrome. Last evaluated: 2022-03-25. Review status: criteria provided, single submitter. Criteria: Invitae Variant Classification Sherloc (09022015). Collection method: clinical testing. Allele origin: germline.
Comment: Experimental studies and prediction algorithms are not available or were not evaluated, and the functional significance of this variant is currently unknown. In summary, the available evidence is currently insufficient to determine the role of this variant in disease. Therefore, it has been classified as a Variant of Uncertain Significance. Algorithms developed to predict the effect of sequence changes on RNA splicing suggest that this variant may disrupt the consensus splice site. This variant has not been reported in the literature in individuals affected with RECQL4-related conditions. This variant is not present in population databases (gnomAD no frequency). This sequence change replaces glycine, which is neutral and non-polar, with alanine, which is neutral and non-polar, at codon 331 of the RECQL4 protein (p.Gly331Ala).

NM_004260.4(RECQL4):c.992G>C (p.Gly331Ala)

Gene: RECQL4 (RecQ like helicase 4; minus strand). Cytogenetic location: 8q24.3.
Variant type: single nucleotide variant.
Coding change: c.992G>C on transcript NM_004260.4 (MANE Select); coding-DNA position 992, G replaced by C.
Protein change: p.Gly331Ala; replaces glycine 331 with alanine.
Molecular consequence: missense variant.
Genome position (GRCh38, 1-based): chr8:144,516,127, C>G on the plus strand (G>C on the coding strand, the complement: RECQL4 is on the minus strand). VCF-style: chr8-144516127-C-G. GRCh37 (hg19) VCF-style: chr8-145741511-C-G.
Other names: short protein forms G331A.
Identifiers: ClinVar variation 1356543 (VCV001356543.6), dbSNP rs1156246668, ClinGen allele CA372688401.